The following is an entry in ClinVar:

NM_005502.4(ABCA1):c.-5G>A

Gene: ABCA1 (ATP binding cassette subfamily A member 1; minus strand). Cytogenetic location: 9q31.1.
Variant type: single nucleotide variant.
Coding change: c.-5G>A on transcript NM_005502.4 (MANE Select); 5 bases upstream of the start codon, G replaced by A.
Molecular consequence: 5 prime UTR variant.
Genome position (GRCh38, 1-based): chr9:104,903,684, C>T on the plus strand (G>A on the coding strand, the complement: ABCA1 is on the minus strand). VCF-style: chr9-104903684-C-T. GRCh37 (hg19) VCF-style: chr9-107665965-C-T.
Identifiers: ClinVar variation 4232278 (VCV004232278.1).

ClinVar aggregate classification (germline): Uncertain significance (1 of 4 stars; one submission).

Conditions:
Cardiovascular phenotype. Identifiers: MedGen CN230736.

gnomAD v4.1: 159 of 1,577,224 alleles (0.01%); highest among the groups gnomAD compares: Non-Finnish European, 0.012%; no homozygotes.

Submission:

Ambry Genetics
Classification: Uncertain significance for Cardiovascular phenotype. Last evaluated: 2025-07-02. Review status: criteria provided, single submitter. Criteria: Ambry Variant Classification Scheme 2023. Collection method: clinical testing. Allele origin: germline.
Comment: The c.-5G>A variant is located in the 5' untranslated region (5&rsquo; UTR) of the ABCA1 gene. This variant results from a G to A substitution 5 bases upstream from the first translated codon. This nucleotide position is well conserved in available vertebrate species. Based on the available evidence, the clinical significance of this variant remains unclear.